The following is an entry in ClinVar:

ClinVar aggregate classification (germline): Likely pathogenic. Review status: criteria provided, single submitter (1 of 4 stars). 2 submissions from 2 submitters: Likely pathogenic (1). 1 of the submissions does not count toward it. Last evaluated 2026-01-16.

Conditions:
alpha Thalassemia. Also called: Alpha thalassemia spectrum. Identifiers: Orphanet 846, MedGen C0002312, MONDO:0011399, OMIM 604131.

Allele frequency attached by ClinVar (database versions not stated): ExAC 0.00001; gnomAD 0.00001; TOPMed 0.00002.

Submissions (2):

Natera, Inc.
Classification: Likely pathogenic for Alpha thalassemia. Last evaluated: 2026-01-16. Review status: criteria provided, single submitter. Criteria: Natera Variant Classification Schema (03/2026). Collection method: clinical testing. Allele origin: germline.
Comment: The c.349G>T variant in HBA2 is a nonsense variant predicted to introduce a stop codon at amino acid 117. This variant is expected to result in nonsense mediated decay, truncation, or a dysfunctional protein product. This variant is rare in the general population with a frequency below the threshold expected for the associated phenotype(s). This variant has been observed in one or more individuals affected with the associated recessive disease, as either homozygous or compound heterozygous with a second variant (PMID: 3597771). Additionally, this variant has been observed to segregate in affected family members (PMID: 3597771). Given the available evidence, this variant is classified as Likely Pathogenic.

OMIM
Classification: Pathogenic for ALPHA-THALASSEMIA. Last evaluated: 1987-07-01. Review status: no assertion criteria provided. Collection method: literature only. Allele origin: germline. Not counted in ClinVar's aggregate classification.

Literature cited by the submitters: PubMed 3597771 (cited by Natera, Inc. and OMIM).

NM_000517.6(HBA2):c.349G>T (p.Glu117Ter)

Genes: HBA2 (hemoglobin subunit alpha 2; plus strand), LOC106804612 (hemoglobin subunit alpha 2 recombination region; plus strand). Cytogenetic location: 16p13.3.
Variant type: single nucleotide variant.
Coding change: c.349G>T on transcript NM_000517.6 (MANE Select); coding-DNA position 349, G replaced by T.
Protein change: p.Glu117Ter; replaces glutamic acid 117 with a stop codon.
Molecular consequence: nonsense.
Genome position (GRCh38, 1-based): chr16:173,520, G>T. VCF-style: chr16-173520-G-T. GRCh37 (hg19) VCF-style: chr16-223519-G-T.
Other names: E116*; c.349G>T (NM_000517.5); short protein forms E117*.
Identifiers: ClinVar variation 15644 (VCV000015644.2), dbSNP rs33987053, ClinGen allele CA281647.